The following is an entry in ClinVar:

ClinVar aggregate classification (germline): Benign/Likely benign. Review status: criteria provided, multiple submitters, no conflicts (2 of 4 stars). 2 submissions from 2 submitters: Benign (1); Likely benign (1). Last evaluated 2026-08-01.

Conditions:
Parenti-mignot neurodevelopmental syndrome. Identifiers: MedGen C5676984, MONDO:0859249, OMIM 619873.

Allele frequency attached by ClinVar (database versions not stated): 1000 Genomes Project 0.00080; 1000 Genomes Project 30x 0.00094; gnomAD 0.00196; ESP Exome Variant Server 0.00200; gnomAD exomes 0.00212; ExAC 0.00231.

Submissions (2):

CeGaT Center for Human Genetics Tuebingen
Classification: Benign. Last evaluated: 2026-08-01. Review status: criteria provided, single submitter. Criteria: CeGaT Center For Human Genetics Tuebingen Variant Classification Criteria Version 2. Collection method: clinical testing. Allele origin: germline. Affected: yes. Observed: 10 variant alleles.
Comment: CHD5: BP4, BS1, BS2

Molecular Genetics, Royal Melbourne Hospital
Classification: Likely benign for Parenti-mignot neurodevelopmental syndrome. Last evaluated: 2023-11-05. Review status: criteria provided, single submitter. Criteria: ACMG Guidelines, 2015. Collection method: clinical testing. Allele origin: germline. Affected: yes.

NM_015557.3(CHD5):c.4728G>T (p.Met1576Ile)

Gene: CHD5 (chromodomain helicase DNA binding protein 5; minus strand). Cytogenetic location: 1p36.31.
Variant type: single nucleotide variant.
Coding change: c.4728G>T on transcript NM_015557.3 (MANE Select); coding-DNA position 4728, G replaced by T.
Protein change: p.Met1576Ile; replaces methionine 1576 with isoleucine.
Molecular consequence: missense variant.
Genome position (GRCh38, 1-based): chr1:6,121,545, C>A on the plus strand (G>T on the coding strand, the complement: CHD5 is on the minus strand). VCF-style: chr1-6121545-C-A. GRCh37 (hg19) VCF-style: chr1-6181605-C-A.
Other names: short protein forms M1576I.
Identifiers: ClinVar variation 2638117 (VCV002638117.24), dbSNP rs138962606, ClinGen allele CA556072.
Genomic context (GRCh38, chr1:6,121,545, plus strand): 5'-GTTCCACACCTGGACTTCCAGGGGCTGCCTTGGCTTCTGTGCCCCGGGGTCTTTCTCATC[C>A]ATGTAGCCCAGCTGGGCTTCCATTTTGTCTGAAAGATCAAGGGAAAGAGCTGAGACAGGT-3'
Protein context (NP_056372.1, residues 1566-1586): PDKMEAQLGY[Met1576Ile]DEKDPGAQKP